The following is an entry in ClinVar:

NM_033026.6(PCLO):c.1828T>C (p.Cys610Arg)

Gene: PCLO (piccolo presynaptic cytomatrix protein; minus strand). Cytogenetic location: 7q21.11.
Variant type: single nucleotide variant.
Coding change: c.1828T>C on transcript NM_033026.6 (MANE Select); coding-DNA position 1828, T replaced by C.
Protein change: p.Cys610Arg; replaces cysteine 610 with arginine.
Molecular consequence: missense variant.
Genome position (GRCh38, 1-based): chr7:83,154,813, A>G on the plus strand (T>C on the coding strand, the complement: PCLO is on the minus strand). VCF-style: chr7-83154813-A-G. GRCh37 (hg19) VCF-style: chr7-82784129-A-G.
Other names: c.1828T>C, p.Cys610Arg (NM_014510.3); short protein forms C610R.
Identifiers: ClinVar variation 1444690 (VCV001444690.8), dbSNP rs914214661, ClinGen allele CA161190724.

ClinVar aggregate classification (germline): Uncertain significance (1 of 4 stars; one submission).

Allele frequency attached by ClinVar (database versions not stated): gnomAD exomes below 0.00001; gnomAD 0.00001; TOPMed 0.00004.
gnomAD v4.1: 4 of 1,613,860 alleles (0.00025%); highest among the groups gnomAD compares: African/African-American, 0.004%; no homozygotes.

Submission:

Labcorp Genetics (formerly Invitae), Labcorp
Classification: Uncertain significance. Last evaluated: 2021-01-08. Review status: criteria provided, single submitter. Criteria: Invitae Variant Classification Sherloc (09022015). Collection method: clinical testing. Allele origin: germline.
Comment: This variant is not present in population databases (ExAC no frequency). This sequence change replaces cysteine with arginine at codon 610 of the PCLO protein (p.Cys610Arg). The cysteine residue is moderately conserved and there is a large physicochemical difference between cysteine and arginine. This variant has not been reported in the literature in individuals with PCLO-related conditions. In summary, the available evidence is currently insufficient to determine the role of this variant in disease. Therefore, it has been classified as a Variant of Uncertain Significance. Algorithms developed to predict the effect of missense changes on protein structure and function are either unavailable or do not agree on the potential impact of this missense change (SIFT: "Deleterious"; PolyPhen-2: "Not Available"; Align-GVGD: "Class C0").